The following is an entry in ClinVar:

ClinVar aggregate classification (germline): Uncertain significance (1 of 4 stars; one submission).

Submission:

GeneDx
Classification: Uncertain significance. Last evaluated: 2022-12-20. Review status: criteria provided, single submitter. Criteria: GeneDx Variant Classification Process June 2021. Collection method: clinical testing. Allele origin: germline. Affected: yes.
Comment: Not observed at significant frequency in large population cohorts (gnomAD); Nonsense variant predicted to result in protein truncation or nonsense mediated decay in a gene for which loss of function is not a well-established mechanism of disease; Has not been previously published as pathogenic or benign to our knowledge

NM_001378328.1(CELSR1):c.826G>T (p.Glu276Ter)

Gene: CELSR1 (cadherin EGF LAG seven-pass G-type receptor 1; minus strand). Cytogenetic location: 22q13.31.
Variant type: single nucleotide variant.
Coding change: c.826G>T on transcript NM_001378328.1 (MANE Select); coding-DNA position 826, G replaced by T.
Protein change: p.Glu276Ter; replaces glutamic acid 276 with a stop codon.
Molecular consequence: nonsense.
Genome position (GRCh38, 1-based): chr22:46,536,345, C>A on the plus strand (G>T on the coding strand, the complement: CELSR1 is on the minus strand). VCF-style: chr22-46536345-C-A. GRCh37 (hg19) VCF-style: chr22-46932242-C-A.
Other names: c.826G>T, p.Glu276Ter (NM_014246.4); short protein forms E276*.
Identifiers: ClinVar variation 2506751 (VCV002506751.1), dbSNP rs2518413683, ClinGen allele CA411952462.